The following is an entry in ClinVar:

NM_006985.4(NPIPA1):c.814A>T (p.Thr272Ser)

Gene: NPIPA1 (nuclear pore complex interacting protein family member A1; plus strand). Cytogenetic location: 16p13.11.
Variant type: single nucleotide variant.
Coding change: c.814A>T on transcript NM_006985.4 (MANE Select); coding-DNA position 814, A replaced by T.
Protein change: p.Thr272Ser; replaces threonine 272 with serine.
Molecular consequence: missense variant. On other transcripts: non-coding transcript variant (1).
Genome position (GRCh38, 1-based): chr16:14,951,786, A>T. VCF-style: chr16-14951786-A-T. GRCh37 (hg19) VCF-style: chr16-15045643-A-T.
Other names: short protein forms T272S.
Identifiers: ClinVar variation 2343013 (VCV002343013.26), dbSNP rs200475524, ClinGen allele CA7914464.

ClinVar aggregate classification (germline): Conflicting classifications of pathogenicity. Review status: criteria provided, conflicting classifications (1 of 4 stars). 2 submissions from 2 submitters: Uncertain significance (1); Likely benign (1). Last evaluated 2023-12-08.

Allele frequency attached by ClinVar (database versions not stated): ExAC 0.00046; gnomAD 0.00082; 1000 Genomes Project 0.00200; 1000 Genomes Project 30x 0.00703.

Submissions (2):

Ambry Genetics
Classification: Uncertain significance. Last evaluated: 2023-12-08. Review status: criteria provided, single submitter. Criteria: Ambry Variant Classification Scheme 2023. Collection method: clinical testing. Allele origin: germline.

CeGaT Center for Human Genetics Tuebingen
Classification: Likely benign. Last evaluated: 2023-06-01. Review status: criteria provided, single submitter. Criteria: CeGaT Center For Human Genetics Tuebingen Variant Classification Criteria Version 2. Collection method: clinical testing. Allele origin: germline. Affected: yes. Observed: 3 variant alleles.
Comment: NPIPA1: BP4, BS2